The following is an entry in ClinVar:

NM_002458.3(MUC5B):c.1520C>T (p.Thr507Met)

Gene: MUC5B (mucin 5B, oligomeric mucus/gel-forming; plus strand). Cytogenetic location: 11p15.5.
Variant type: single nucleotide variant.
Coding change: c.1520C>T on transcript NM_002458.3 (MANE Select); coding-DNA position 1520, C replaced by T.
Protein change: p.Thr507Met; replaces threonine 507 with methionine.
Molecular consequence: missense variant.
Genome position (GRCh38, 1-based): chr11:1,230,985, C>T. VCF-style: chr11-1230985-C-T. GRCh37 (hg19) VCF-style: chr11-1252215-C-T.
Other names: short protein forms T507M.
Identifiers: ClinVar variation 3042760 (VCV003042760.6), dbSNP rs201605309, ClinGen allele CA5804313.

ClinVar aggregate classification (germline): Likely benign. Review status: criteria provided, single submitter (1 of 4 stars). 2 submissions from 2 submitters: Likely benign (1). 1 of the submissions does not count toward it. Last evaluated 2026-02-01.

Conditions:
MUC5B-related disorder. Also called: MUC5B-related condition.

Allele frequency attached by ClinVar (database versions not stated): 1000 Genomes Project 30x 0.00062; ESP Exome Variant Server 0.00066.

Submissions (2):

CeGaT Center for Human Genetics Tuebingen
Classification: Likely benign. Last evaluated: 2026-02-01. Review status: criteria provided, single submitter. Criteria: CeGaT Center For Human Genetics Tuebingen Variant Classification Criteria Version 2. Collection method: clinical testing. Allele origin: germline. Affected: yes. Observed: 1 variant allele.
Comment: MUC5B: BP4, BS1

PreventionGenetics, part of Exact Sciences
Classification: Likely benign for MUC5B-related condition. Last evaluated: 2023-05-04. Review status: no assertion criteria provided. Collection method: clinical testing. Allele origin: germline. Not counted in ClinVar's aggregate classification.
Comment: This variant is classified as likely benign based on ACMG/AMP sequence variant interpretation guidelines (Richards et al. 2015 PMID: 25741868, with internal and published modifications).